The following is an entry in ClinVar:

NM_020207.7(ERCC6L2):c.289C>G (p.Arg97Gly)

Gene: ERCC6L2 (ERCC excision repair 6 like 2; plus strand). Cytogenetic location: 9q22.32.
Variant type: single nucleotide variant.
Coding change: c.289C>G on transcript NM_020207.7 (MANE Select); coding-DNA position 289, C replaced by G.
Protein change: p.Arg97Gly; replaces arginine 97 with glycine.
Molecular consequence: missense variant. On other transcripts: non-coding transcript variant (1).
Genome position (GRCh38, 1-based): chr9:95,881,111, C>G. VCF-style: chr9-95881111-C-G. GRCh37 (hg19) VCF-style: chr9-98643393-C-G.
Other names: c.289C>G, p.Arg97Gly (NM_001010895.4, NM_001375291.1, NM_001375292.1 and 2 more transcripts); short protein forms R97G.
Identifiers: ClinVar variation 4250644 (VCV004250644.1).

ClinVar aggregate classification (germline): Uncertain significance (1 of 4 stars; one submission).

Conditions:
Inborn genetic diseases. Identifiers: MedGen C0950123, MeSH D030342.

Submission:

Ambry Genetics
Classification: Uncertain significance for Inborn genetic diseases. Last evaluated: 2025-09-10. Review status: criteria provided, single submitter. Criteria: Ambry Variant Classification Scheme 2023. Collection method: clinical testing. Allele origin: germline.
Comment: The p.R97G variant (also known as c.289C>G), located in coding exon 2 of the ERCC6L2 gene, results from a C to G substitution at nucleotide position 289. The arginine at codon 97 is replaced by glycine, an amino acid with dissimilar properties. This amino acid position is conserved. In addition, the in silico prediction for this alteration is inconclusive. Based on the available evidence, the clinical significance of this variant remains unclear.